The following is an entry in ClinVar:

ClinVar aggregate classification (germline): Uncertain significance. Review status: criteria provided, multiple submitters, no conflicts (2 of 4 stars). 2 submissions from 2 submitters: Uncertain significance (2). Last evaluated 2021-12-10.

Allele frequency attached by ClinVar (database versions not stated): TOPMed below 0.00001; gnomAD 0.00001; gnomAD exomes 0.00001.
gnomAD v4.1: 17 of 1,612,890 alleles (0.0011%); highest among the groups gnomAD compares: Non-Finnish European, 0.0014%; no homozygotes.

Submissions (2):

Laboratory for Molecular Medicine, Mass General Brigham Personalized Medicine
Classification: Uncertain significance. Last evaluated: 2021-12-10. Review status: criteria provided, single submitter. Criteria: ACMG Guidelines, 2015. Collection method: clinical testing. Allele origin: germline.
Comment: Computational prediction tools and conservation analysis do not provide strong support for or against an impact to the protein. In summary, the clinical significance of the p.Cys22832Ser variant is uncertain. ACMG/AMP Criteria applied: PM2_Supporting.

Eurofins Ntd Llc (ga)
Classification: Uncertain significance. Last evaluated: 2018-08-31. Review status: criteria provided, single submitter. Criteria: EGL ClinVar v180209 classification definitions. Collection method: clinical testing. Allele origin: germline. Observed: 1 variant allele, 1 heterozygote.

NM_001267550.2(TTN):c.76199G>C (p.Cys25400Ser)

Genes: TTN (titin; minus strand), TTN-AS1 (TTN antisense RNA 1; plus strand). Cytogenetic location: 2q31.2.
Variant type: single nucleotide variant.
Coding change: c.76199G>C on transcript NM_001267550.2 (MANE Select); coding-DNA position 76199, G replaced by C.
Protein change: p.Cys25400Ser; replaces cysteine 25400 with serine.
Molecular consequence: missense variant.
Genome position (GRCh38, 1-based): chr2:178,569,933, C>G on the plus strand (G>C on the coding strand, the complement: TTN is on the minus strand). VCF-style: chr2-178569933-C-G. GRCh37 (hg19) VCF-style: chr2-179434660-C-G.
Other names: c.68495G>C, p.Cys22832Ser (NM_133378.4); c.71276G>C, p.Cys23759Ser (NM_001256850.1); c.49004G>C, p.Cys16335Ser (NM_003319.4); c.49379G>C, p.Cys16460Ser (NM_133432.3); c.49580G>C, p.Cys16527Ser (NM_133437.4); short protein forms C25400S, C22832S, C16335S, C23759S, C16460S, C16527S.
Identifiers: ClinVar variation 47344 (VCV000047344.10), dbSNP rs397517704, ClinGen allele CA140744.